The following is an entry in ClinVar:

ClinVar aggregate classification (germline): Uncertain significance (1 of 4 stars; one submission).

Conditions:
Neurofibromatosis, type 1 (NF1). Also called: Peripheral type neurofibromatosis; VON RECKLINGHAUSEN DISEASE; Neurofibromatosis, type I; NEUROFIBROMATOSIS, TYPE I, SOMATIC. Identifiers: Orphanet 636, MedGen C0027831, MONDO:0018975, OMIM 162200. Disease mechanism: loss of function.

Submission:

Labcorp Genetics (formerly Invitae), Labcorp
Classification: Uncertain significance for Neurofibromatosis, type 1. Last evaluated: 2025-11-22. Review status: criteria provided, single submitter. Criteria: Invitae Variant Classification Sherloc (09022015). Collection method: clinical testing. Allele origin: germline.
Comment: This sequence change replaces glutamine, which is neutral and polar, with glutamic acid, which is acidic and polar, at codon 2213 of the NF1 protein (p.Gln2213Glu). This variant is not present in population databases (gnomAD no frequency). This variant has not been reported in the literature in individuals affected with NF1-related conditions. ClinVar contains an entry for this variant (Variation ID: 573491). Invitae Evidence Modeling of protein sequence and biophysical properties (such as structural, functional, and spatial information, amino acid conservation, physicochemical variation, residue mobility, and thermodynamic stability) has been performed for this missense variant. However, the output from this modeling did not meet the statistical confidence thresholds required to predict the impact of this variant on NF1 protein function. In summary, the available evidence is currently insufficient to determine the role of this variant in disease. Therefore, it has been classified as a Variant of Uncertain Significance.

NM_001042492.3(NF1):c.6700C>G (p.Gln2234Glu)

Gene: NF1 (neurofibromin 1; plus strand). Cytogenetic location: 17q11.2.
Variant type: single nucleotide variant.
Coding change: c.6700C>G on transcript NM_001042492.3 (MANE Select); coding-DNA position 6700, C replaced by G.
Protein change: p.Gln2234Glu; replaces glutamine 2234 with glutamic acid.
Molecular consequence: missense variant.
Genome position (GRCh38, 1-based): chr17:31,337,876, C>G. VCF-style: chr17-31337876-C-G. GRCh37 (hg19) VCF-style: chr17-29664894-C-G.
Other names: c.6637C>G, p.Gln2213Glu (NM_000267.4); short protein forms Q2234E, Q2213E.
Identifiers: ClinVar variation 573491 (VCV000573491.5), dbSNP rs1567617727, ClinGen allele CA399013952.